The following is an entry in ClinVar:

NM_015509.4(NECAP1):c.346G>T (p.Ala116Ser)

Gene: NECAP1 (NECAP endocytosis associated 1; plus strand). Cytogenetic location: 12p13.31.
Variant type: single nucleotide variant.
Coding change: c.346G>T on transcript NM_015509.4 (MANE Select); coding-DNA position 346, G replaced by T.
Protein change: p.Ala116Ser; replaces alanine 116 with serine.
Molecular consequence: missense variant.
Genome position (GRCh38, 1-based): chr12:8,091,813, G>T. VCF-style: chr12-8091813-G-T. GRCh37 (hg19) VCF-style: chr12-8244409-G-T.
Other names: short protein forms A116S.
Identifiers: ClinVar variation 1492731 (VCV001492731.5), dbSNP rs2120482566, ClinGen allele CA383798415.
Genomic context (GRCh38, chr12:8,091,813, plus strand): 5'-CCTACGTTTTCCACAGGGCGCAGTGCTTTCATTGGCATTGGCTTCACAGATCGGGGAGAT[G>T]CCTTCGACTTTAATGTCTCCTTGCAGGATCACTTCAAGTGAGTGAAGCTTGTCCTTAGTT-3'
Protein context (NP_056324.2, residues 106-126): IGIGFTDRGD[Ala116Ser]FDFNVSLQDH

ClinVar aggregate classification (germline): Uncertain significance (1 of 4 stars; one submission).

Conditions:
Developmental and epileptic encephalopathy, 21 (DEE21). Also called: Early infantile epileptic encephalopathy 21. Identifiers: Orphanet 442835, MedGen C4014430, MONDO:0014360, OMIM 615833.

Submission:

Labcorp Genetics (formerly Invitae), Labcorp
Classification: Uncertain significance for Developmental and epileptic encephalopathy, 21. Last evaluated: 2021-05-19. Review status: criteria provided, single submitter. Criteria: Invitae Variant Classification Sherloc (09022015). Collection method: clinical testing. Allele origin: germline.
Comment: In summary, the available evidence is currently insufficient to determine the role of this variant in disease. Therefore, it has been classified as a Variant of Uncertain Significance. Algorithms developed to predict the effect of missense changes on protein structure and function are either unavailable or do not agree on the potential impact of this missense change (SIFT: "Not Available"; PolyPhen-2: "Possibly Damaging"; Align-GVGD: "Not Available"). This variant has not been reported in the literature in individuals with NECAP1-related conditions. This variant is not present in population databases (ExAC no frequency). This sequence change replaces alanine with serine at codon 116 of the NECAP1 protein (p.Ala116Ser). The alanine residue is highly conserved and there is a moderate physicochemical difference between alanine and serine.